The following is an entry in ClinVar:

ClinVar aggregate classification (germline): Likely benign. Review status: criteria provided, single submitter (1 of 4 stars). 2 submissions from 2 submitters: Likely benign (1). 1 of the submissions does not count toward it. Last evaluated 2025-08-02.

Conditions:
CPLANE1-related disorder. Also called: CPLANE1-related condition.

Allele frequency attached by ClinVar (database versions not stated): gnomAD exomes below 0.00001; ExAC 0.00001; gnomAD 0.00002; TOPMed 0.00002.
gnomAD v4.1: 4 of 1,614,094 alleles (0.00025%); highest among the groups gnomAD compares: African/African-American, 0.0053%; no homozygotes.

Submissions (2):

Labcorp Genetics (formerly Invitae), Labcorp
Classification: Likely benign. Last evaluated: 2025-08-02. Review status: criteria provided, single submitter. Criteria: Invitae Variant Classification Sherloc (09022015). Collection method: clinical testing. Allele origin: germline.

PreventionGenetics, part of Exact Sciences
Classification: Likely benign for CPLANE1-related condition. Last evaluated: 2022-11-15. Review status: no assertion criteria provided. Collection method: clinical testing. Allele origin: germline. Not counted in ClinVar's aggregate classification.
Comment: This variant is classified as likely benign based on ACMG/AMP sequence variant interpretation guidelines (Richards et al. 2015 PMID: 25741868, with internal and published modifications).

NM_001384732.1(CPLANE1):c.6996T>G (p.Ser2332=)

Gene: CPLANE1 (ciliogenesis and planar polarity effector complex subunit 1; minus strand). Cytogenetic location: 5p13.2.
Variant type: single nucleotide variant.
Coding change: c.6996T>G on transcript NM_001384732.1 (MANE Select); coding-DNA position 6996, T replaced by G.
Protein change: p.Ser2332=; no amino-acid change (serine 2332 retained).
Molecular consequence: synonymous variant.
Genome position (GRCh38, 1-based): chr5:37,169,028, A>C on the plus strand (T>G on the coding strand, the complement: CPLANE1 is on the minus strand). VCF-style: chr5-37169028-A-C. GRCh37 (hg19) VCF-style: chr5-37169130-A-C.
Other names: c.6996T>G (NM_023073.3); c.6996T>G, p.Ser2332= (NM_023073.4).
Identifiers: ClinVar variation 2780675 (VCV002780675.5), dbSNP rs758779344, ClinGen allele CA3238156.
Genomic context (GRCh38, chr5:37,169,028, plus strand): 5'-AGATATCTCAAGGGTCCCTGGCTTAACATCAAATAGTTTTTCTGGTTTTATAAACACTGA[A>C]GAGTCCTGTTGAGGTGTCAAATTTTCTTGTCCAACATATTGATCCAAGTTCACATGATTA-3'
Protein context (NP_001371661.1, residues 2322-2342): GQENLTPQQD[Ser2332=]SVFIKPEKLF